The following is an entry in ClinVar:

NM_014946.4(SPAST):c.447_451del (p.Tyr149_Lys151delinsTer)

Gene: SPAST (spastin; plus strand). Cytogenetic location: 2p22.3.
Variant type: Deletion.
Coding change: c.447_451del on transcript NM_014946.4 (MANE Select); coding-DNA positions 447 to 451, 5 bases deleted (TAAGA; older notation c.447_451delTAAGA).
Protein change: p.Tyr149_Lys151delinsTer.
Molecular consequence: nonsense.
Genome position (GRCh38, 1-based): chr2:32,087,523-32,087,527, TAAGA deleted; deleting any 5 consecutive bases within chr2:32,087,522-32,087,527 gives the same sequence; the c. name uses the placement nearest the transcript's 3' end. VCF-style (leftmost placement, unchanged base first): chr2-32087521-TATAAG-T. GRCh37 (hg19) VCF-style: chr2-32312590-TATAAG-T.
Other names: c.444_448del, p.Tyr148_Lys150delinsTer (NM_001363823.2, NM_001363875.2); c.447_451del, p.Tyr149_Lys151delinsTer (NM_001377959.1, NM_199436.2).
Identifiers: ClinVar variation 994985 (VCV000994985.1), dbSNP rs1677532605, ClinGen allele CA1139656846.

ClinVar aggregate classification (germline): Pathogenic (1 of 4 stars; one submission).

Submission:

Athena Diagnostics
Classification: Pathogenic. Last evaluated: 2020-08-14. Review status: criteria provided, single submitter. Criteria: Athena Diagnostics Criteria. Collection method: clinical testing. Allele origin: unknown.
Comment: The variant results in a shift of the reading frame, and is therefore predicted to result in the loss of a functional protein. Found in at least one patient with expected phenotype for this gene, and not found in general population data.